The following is an entry in ClinVar:

ClinVar aggregate classification (germline): Uncertain significance (1 of 4 stars; one submission).

Conditions:
Inborn genetic diseases. Identifiers: MedGen C0950123, MeSH D030342.

Submission:

Ambry Genetics
Classification: Uncertain significance for Inborn genetic diseases. Last evaluated: 2024-07-27. Review status: criteria provided, single submitter. Criteria: Ambry Variant Classification Scheme 2023. Collection method: clinical testing. Allele origin: germline.
Comment: The p.A306S variant (also known as c.916G>T), located in coding exon 10 of the ERCC2 gene, results from a G to T substitution at nucleotide position 916. The alanine at codon 306 is replaced by serine, an amino acid with similar properties. This amino acid position is conserved. In addition, the in silico prediction for this alteration is inconclusive. Based on the available evidence, the clinical significance of this variant remains unclear.

NM_000400.4(ERCC2):c.916G>T (p.Ala306Ser)

Gene: ERCC2 (ERCC excision repair 2, TFIIH core complex helicase subunit; minus strand). Cytogenetic location: 19q13.32.
Variant type: single nucleotide variant.
Coding change: c.916G>T on transcript NM_000400.4 (MANE Select); coding-DNA position 916, G replaced by T.
Protein change: p.Ala306Ser; replaces alanine 306 with serine.
Molecular consequence: missense variant.
Genome position (GRCh38, 1-based): chr19:45,364,019, C>A on the plus strand (G>T on the coding strand, the complement: ERCC2 is on the minus strand). VCF-style: chr19-45364019-C-A. GRCh37 (hg19) VCF-style: chr19-45867277-C-A.
Other names: c.844G>T, p.Ala282Ser (NM_001130867.2); short protein forms A282S, A306S.
Identifiers: ClinVar variation 3509836 (VCV003509836.1).